The following is an entry in ClinVar:

NM_000038.6(APC):c.7411C>T (p.Pro2471Ser)

Gene: APC (APC regulator of Wnt signaling pathway; plus strand). Cytogenetic location: 5q22.2.
Variant type: single nucleotide variant.
Coding change: c.7411C>T on transcript NM_000038.6 (MANE Select); coding-DNA position 7411, C replaced by T.
Protein change: p.Pro2471Ser; replaces proline 2471 with serine.
Molecular consequence: missense variant.
Genome position (GRCh38, 1-based): chr5:112,843,005, C>T. VCF-style: chr5-112843005-C-T. GRCh37 (hg19) VCF-style: chr5-112178702-C-T.
Other names: c.7411C>T, p.Pro2471Ser (NM_001127510.3, NM_001354895.2); c.7357C>T, p.Pro2453Ser (NM_001127511.3); c.7465C>T, p.Pro2489Ser (NM_001354896.2); c.7441C>T, p.Pro2481Ser (NM_001354897.2); c.7336C>T, p.Pro2446Ser (NM_001354898.2); c.7327C>T, p.Pro2443Ser (NM_001354899.2); c.7288C>T, p.Pro2430Ser (NM_001354900.2); c.7234C>T, p.Pro2412Ser (NM_001354901.2); and 5 more; short protein forms P2453S, P2471S, P2188S, P2370S, P2443S, P2489S, P2311S, P2345S.
Identifiers: ClinVar variation 576961 (VCV000576961.12), dbSNP rs1324082067, ClinGen allele CA16037464.

ClinVar aggregate classification (germline): Uncertain significance. Review status: criteria provided, multiple submitters, no conflicts (2 of 4 stars). 3 submissions from 3 submitters: Uncertain significance (3). Last evaluated 2026-06-14.

Conditions:
Familial adenomatous polyposis 1 (FAP1). Also called: FAMILIAL ADENOMATOUS POLYPOSIS 1, ATTENUATED; POLYPOSIS, ADENOMATOUS INTESTINAL. Identifiers: MedGen C2713442, MONDO:0021056, OMIM 175100. Disease mechanism: loss of function.
APC-related disorder. Also called: APC-related condition.
Hereditary cancer-predisposing syndrome. Also called: Tumor predisposition; Hereditary Cancer Syndrome; Neoplastic Syndromes, Hereditary; Hereditary neoplastic syndrome. Identifiers: Orphanet 140162, MedGen C0027672, MeSH D009386, MONDO:0015356.

Submissions (3):

Ambry Genetics
Classification: Uncertain significance for Hereditary cancer-predisposing syndrome. Last evaluated: 2026-06-14. Review status: criteria provided, single submitter. Criteria: Ambry Variant Classification Scheme 2023. Collection method: clinical testing. Allele origin: germline.
Comment: The p.P2471S variant (also known as c.7411C>T), located in coding exon 15 of the APC gene, results from a C to T substitution at nucleotide position 7411. The proline at codon 2471 is replaced by serine, an amino acid with similar properties. This amino acid position is conserved. In addition, in silico predictors for this gene do not accurately predict pathogenicity. Based on the available evidence, the clinical significance of this variant remains unclear.

PreventionGenetics, part of Exact Sciences
Classification: Uncertain significance for APC-related condition. Last evaluated: 2022-11-10. Review status: criteria provided, single submitter. Criteria: ACMG Guidelines, 2015. Collection method: clinical testing. Allele origin: germline.
Comment: The APC c.7411C>T variant is predicted to result in the amino acid substitution p.Pro2471Ser. To our knowledge, this variant has not been reported in the literature or in a large population database, indicating this variant is rare. In ClinVar, this variant has been interpreted as uncertain. At this time, the clinical significance of this variant is uncertain due to the absence of conclusive functional and genetic evidence.

Labcorp Genetics (formerly Invitae), Labcorp
Classification: Uncertain significance for Familial adenomatous polyposis 1. Last evaluated: 2022-06-07. Review status: criteria provided, single submitter. Criteria: Invitae Variant Classification Sherloc (09022015). Collection method: clinical testing. Allele origin: germline.
Comment: In summary, the available evidence is currently insufficient to determine the role of this variant in disease. Therefore, it has been classified as a Variant of Uncertain Significance. Algorithms developed to predict the effect of missense changes on protein structure and function (SIFT, PolyPhen-2, Align-GVGD) all suggest that this variant is likely to be tolerated. ClinVar contains an entry for this variant (Variation ID: 576961). This variant has not been reported in the literature in individuals affected with APC-related conditions. This variant is not present in population databases (gnomAD no frequency). This sequence change replaces proline, which is neutral and non-polar, with serine, which is neutral and polar, at codon 2471 of the APC protein (p.Pro2471Ser).